The following is an entry in ClinVar:

NM_020937.4(FANCM):c.1951A>C (p.Lys651Gln)

Gene: FANCM (FA complementation group M; plus strand). Cytogenetic location: 14q21.2.
Variant type: single nucleotide variant.
Coding change: c.1951A>C on transcript NM_020937.4 (MANE Select); coding-DNA position 1951, A replaced by C.
Protein change: p.Lys651Gln; replaces lysine 651 with glutamine.
Molecular consequence: missense variant.
Genome position (GRCh38, 1-based): chr14:45,167,112, A>C. VCF-style: chr14-45167112-A-C. GRCh37 (hg19) VCF-style: chr14-45636315-A-C.
Other names: c.1873A>C, p.Lys625Gln (NM_001308133.2); c.1951A>C, p.Lys651Gln (NM_001308134.2); c.1951A>C (NM_020937.2); short protein forms K625Q, K651Q.
Identifiers: ClinVar variation 1011206 (VCV001011206.8), dbSNP rs774816428, ClinGen allele CA7169189.
Genomic context (GRCh38, chr14:45,167,112, plus strand): 5'-GATGGAATCAACCCAAAATTACACAAAATGTTCATCACACATGGTGTCTATGAACCAGAG[A>C]AGCCTTCTCGGAACTTGCAGCGAAAGTCATCTATCTTTTCCTATAGGGATGGTAAATAAA-3'
Protein context (NP_065988.1, residues 641-661): FITHGVYEPE[Lys651Gln]PSRNLQRKSS

ClinVar aggregate classification (germline): Uncertain significance. Review status: criteria provided, multiple submitters, no conflicts (2 of 4 stars). 2 submissions from 2 submitters: Uncertain significance (2). Last evaluated 2025-03-10.

Conditions:
Inborn genetic diseases. Identifiers: MedGen C0950123, MeSH D030342.
Fanconi anemia (FA). Also called: Fanconi's anemia. Identifiers: Orphanet 84, MedGen C0015625, MeSH D005199, MONDO:0019391.

Allele frequency attached by ClinVar (database versions not stated): gnomAD exomes below 0.00001 and 0.00001; TOPMed below 0.00001; ExAC 0.00001.
gnomAD v4.1: 3 of 1,613,940 alleles (0.00019%); highest among the groups gnomAD compares: Non-Finnish European, 0.00025%; no homozygotes.

Submissions (2):

Ambry Genetics
Classification: Uncertain significance for Inborn genetic diseases. Last evaluated: 2025-03-10. Review status: criteria provided, single submitter. Criteria: Ambry Variant Classification Scheme 2023. Collection method: clinical testing. Allele origin: germline.
Comment: The p.K651Q variant (also known as c.1951A>C), located in coding exon 11 of the FANCM gene, results from an A to C substitution at nucleotide position 1951. The lysine at codon 651 is replaced by glutamine, an amino acid with similar properties. This amino acid position is conserved. In addition, this alteration is predicted to be tolerated by in silico analysis. Based on the available evidence, the clinical significance of this variant remains unclear.

Labcorp Genetics (formerly Invitae), Labcorp
Classification: Uncertain significance for Fanconi anemia. Last evaluated: 2024-05-28. Review status: criteria provided, single submitter. Criteria: Invitae Variant Classification Sherloc (09022015). Collection method: clinical testing. Allele origin: germline.
Comment: This sequence change replaces lysine, which is basic and polar, with glutamine, which is neutral and polar, at codon 651 of the FANCM protein (p.Lys651Gln). This variant is present in population databases (rs774816428, gnomAD 0.0009%). This variant has not been reported in the literature in individuals affected with FANCM-related conditions. ClinVar contains an entry for this variant (Variation ID: 1011206). An algorithm developed to predict the effect of missense changes on protein structure and function (PolyPhen-2) suggests that this variant¬†is likely to be tolerated. In summary, the available evidence is currently insufficient to determine the role of this variant in disease. Therefore, it has been classified as a Variant of Uncertain Significance.